The following is an entry in ClinVar:

ClinVar aggregate classification (germline): Likely pathogenic (1 of 4 stars; one submission).

Conditions:
Duchenne muscular dystrophy (DMD). Also called: MUSCULAR DYSTROPHY, PSEUDOHYPERTROPHIC PROGRESSIVE, DUCHENNE TYPE; Duchenne Muscular Dystrophy (DMD). Identifiers: Orphanet 98896, MedGen C0013264, MONDO:0010679, OMIM 310200.

Submission:

Laboratory of Medical Genetics, National & Kapodistrian University of Athens
Classification: Likely pathogenic for Duchenne muscular dystrophy. Last evaluated: 2022-12-16. Review status: criteria provided, single submitter. Criteria: ACMG Guidelines, 2015. Collection method: clinical testing. Allele origin: germline. Affected: yes.
Comment: PVS1, PM2

NM_004006.3(DMD):c.4198A>T (p.Lys1400Ter)

Gene: DMD (dystrophin; minus strand). Cytogenetic location: Xp21.1.
Variant type: single nucleotide variant.
Coding change: c.4198A>T on transcript NM_004006.3 (MANE Select); coding-DNA position 4198, A replaced by T.
Protein change: p.Lys1400Ter; replaces lysine 1400 with a stop codon.
Molecular consequence: nonsense.
Genome position (GRCh38, 1-based): chrX:32,411,787, T>A on the plus strand (A>T on the coding strand, the complement: DMD is on the minus strand). VCF-style: chrX-32411787-T-A. GRCh37 (hg19) VCF-style: chrX-32429904-T-A.
Other names: c.4174A>T, p.Lys1392Ter (NM_000109.4); c.4186A>T, p.Lys1396Ter (NM_004009.3); c.3829A>T, p.Lys1277Ter (NM_004010.3); c.175A>T, p.Lys59Ter (NM_004011.4); c.166A>T, p.Lys56Ter (NM_004012.4); short protein forms K1277*, K1392*, K1396*, K1400*, K56*, K59*.
Identifiers: ClinVar variation 1806416 (VCV001806416.1), dbSNP rs1347208359, ClinGen allele CA412666138.